The following is an entry in ClinVar:

ClinVar aggregate classification (germline): Uncertain significance (1 of 4 stars; one submission).

Allele frequency attached by ClinVar (database versions not stated): TOPMed 0.00002; gnomAD exomes 0.00006.
gnomAD v4.1: 13 of 398,644 alleles (0.0033%); highest among the groups gnomAD compares: Middle Eastern, 0.063%; no homozygotes.

Submission:

CeGaT Center for Human Genetics Tuebingen
Classification: Uncertain significance. Last evaluated: 2022-09-01. Review status: criteria provided, single submitter. Criteria: CeGaT Center For Human Genetics Tuebingen Variant Classification Criteria Version 2. Collection method: clinical testing. Allele origin: germline. Affected: yes. Observed: 1 variant allele.
Comment: KCNQ1OT1: PM2

NM_000218.3(KCNQ1):c.1514+35889C>T

Genes: KCNQ1 (potassium voltage-gated channel subfamily Q member 1; plus strand), KCNQ1OT1 (KCNQ1 opposite strand/antisense transcript 1; minus strand). Cytogenetic location: 11p15.5.
Variant type: single nucleotide variant.
Coding change: c.1514+35889C>T on transcript NM_000218.3 (MANE Select); 35889 bases into the intron after coding-DNA position 1514, C replaced by T.
Molecular consequence: intron variant. On other transcripts: non-coding transcript variant (1).
Genome position (GRCh38, 1-based): chr11:2,697,970, C>T. VCF-style: chr11-2697970-C-T. GRCh37 (hg19) VCF-style: chr11-2719200-C-T.
Other names: c.1244+35889C>T (NM_001406837.1); c.1418+35889C>T (NM_001406836.1); c.974+35889C>T (NM_001406838.1); c.1133+35889C>T (NM_181798.2).
Identifiers: ClinVar variation 2641498 (VCV002641498.24), dbSNP rs1247695688, ClinGen allele CA472777194.